The following is an entry in ClinVar:

ClinVar aggregate classification (germline): Likely pathogenic. Review status: criteria provided, multiple submitters, no conflicts (2 of 4 stars). 2 submissions from 2 submitters: Likely pathogenic (2). Last evaluated 2024-11-21.

Conditions:
Autosomal recessive limb-girdle muscular dystrophy type 2C (LGMDR5). Also called: MUSCULAR DYSTROPHY, DUCHENNE-LIKE; MUSCULAR DYSTROPHY, LIMB-GIRDLE, AUTOSOMAL RECESSIVE 5. Identifiers: Orphanet 353, MedGen C0410173, MONDO:0009677, OMIM 253700. Disease mechanism: Affects gamma-sarcoglycan and also disrupts the integrity of the entire sarcoglycan complex..

Submissions (2):

Natera, Inc.
Classification: Likely pathogenic for Limb-girdle muscular dystrophy type 2C. Last evaluated: 2024-11-21. Review status: criteria provided, single submitter. Criteria: Natera Variant Classification Schema (03/2026). Collection method: clinical testing. Allele origin: germline.
Comment: The c.260T>A variant in SGCG is a nonsense variant predicted to introduce a stop codon at amino acid 87. This variant is expected to result in nonsense mediated decay, truncation, or a dysfunctional protein product. This variant is rare in the general population with a frequency below the threshold expected for the associated phenotype(s). Given the available evidence, this variant is classified as Likely Pathogenic.

Myriad Genetics, Inc.
Classification: Likely pathogenic for Autosomal recessive limb-girdle muscular dystrophy type 2C. Last evaluated: 2022-03-15. Review status: criteria provided, single submitter. Criteria: Myriad Women's Health Autosomal Recessive and X-Linked Classification Criteria (2021). Collection method: clinical testing. Allele origin: unknown.
Comment: NM_000231.2(SGCG):c.260T>A(L87*) is expected to be pathogenic in the context of gamma-sarcoglycanopathy. This variant is predicted to lead to an abnormal or absent protein product due to the creation of a premature termination codon in SGCG, a gene where loss-of-function variants are known to be pathogenic. Please note: this variant was assessed in the context of healthy population screening.

NM_000231.3(SGCG):c.260T>A (p.Leu87Ter)

Gene: SGCG (sarcoglycan gamma; plus strand). Cytogenetic location: 13q12.12.
Variant type: single nucleotide variant.
Coding change: c.260T>A on transcript NM_000231.3 (MANE Select); coding-DNA position 260, T replaced by A.
Protein change: p.Leu87Ter; replaces leucine 87 with a stop codon.
Molecular consequence: nonsense.
Genome position (GRCh38, 1-based): chr13:23,234,675, T>A. VCF-style: chr13-23234675-T-A. GRCh37 (hg19) VCF-style: chr13-23808814-T-A.
Other names: c.314T>A, p.Leu105Ter (NM_001378244.1); c.260T>A, p.Leu87Ter (NM_001378245.1, NM_001378246.1); short protein forms L105*, L87*.
Identifiers: ClinVar variation 1725316 (VCV001725316.3), dbSNP rs2541900264, ClinGen allele CA387506611.